The following is an entry in ClinVar:

ClinVar aggregate classification (germline): Uncertain significance. Review status: criteria provided, multiple submitters, no conflicts (2 of 4 stars). 5 submissions from 5 submitters: Uncertain significance (5). Last evaluated 2025-08-12.

Conditions:
Visceral myopathy 2. Identifiers: MedGen C5543466, MONDO:0859157, OMIM 619350.
Megacystis-microcolon-intestinal hypoperistalsis syndrome 2. Identifiers: MedGen C5543476, MONDO:0025708, OMIM 619351.
Aortic aneurysm, familial thoracic 4 (AAT4). Also called: AORTIC ANEURYSM/AORTIC DISSECTION AND PATENT DUCTUS ARTERIOSUS. Identifiers: MedGen C1851504, MONDO:0007568, OMIM 132900.
Familial thoracic aortic aneurysm and aortic dissection (TAAD). Also called: Thoracic aortic aneurysms and dissections. Identifiers: Orphanet 91387, MedGen C4707243, MONDO:0019625.

Allele frequency attached by ClinVar (database versions not stated): gnomAD exomes below 0.00001 and 0.00001; TOPMed below 0.00001; gnomAD 0.00001; ExAC 0.00002; ESP Exome Variant Server 0.00015; 1000 Genomes Project 30x 0.00031.
gnomAD v4.1: 10 of 1,613,522 alleles (0.00062%); highest among the groups gnomAD compares: East Asian, 0.0022%; no homozygotes.

Submissions (5):

Ambry Genetics
Classification: Uncertain significance for Familial thoracic aortic aneurysm and aortic dissection. Last evaluated: 2025-08-12. Review status: criteria provided, single submitter. Criteria: Ambry Variant Classification Scheme 2023. Collection method: clinical testing. Allele origin: germline.
Comment: The p.F1453S variant (also known as c.4358T>C), located in coding exon 30 of the MYH11 gene, results from a T to C substitution at nucleotide position 4358. The phenylalanine at codon 1453 is replaced by serine, an amino acid with highly dissimilar properties. This amino acid position is conserved. In addition, this alteration is predicted to be deleterious by in silico analysis. Based on the available evidence, the clinical significance of this variant remains unclear.

Color Diagnostics, LLC DBA Color Health
Classification: Uncertain significance for Familial thoracic aortic aneurysm and aortic dissection. Last evaluated: 2025-05-30. Review status: criteria provided, single submitter. Criteria: ACMG Guidelines, 2015. Collection method: clinical testing. Allele origin: germline.
Comment: This missense variant replaces phenylalanine with serine at codon 1460 of the MYH11 protein. Computational prediction suggests that this variant may have deleterious impact on protein structure and function. To our knowledge, functional studies have not been reported for this variant. This variant has not been reported in individuals affected with MYH11-related disorders in the literature. This variant has been identified in 1/251458 chromosomes in the general population by the Genome Aggregation Database (gnomAD). The available evidence is insufficient to determine the role of this variant in disease conclusively. Therefore, this variant is classified as a Variant of Uncertain Significance.

All of Us Research Program, National Institutes of Health
Classification: Uncertain significance for Familial thoracic aortic aneurysm and aortic dissection. Last evaluated: 2024-01-11. Review status: criteria provided, single submitter. Criteria: ACMG Guidelines, 2015. Collection method: clinical testing. Allele origin: germline. Inheritance: Autosomal dominant inheritance. Observed: 1 variant allele, 1 heterozygote.
Comment: This study involves interpretation of variants in research participants for the purpose of population health screening. Participant phenotype was not available at the time of variant classification. Additional details can be found in publication PMID: 35346344, PMCID: PMC8962531

Labcorp Genetics (formerly Invitae), Labcorp
Classification: Uncertain significance for Aortic aneurysm, familial thoracic 4. Last evaluated: 2023-11-19. Review status: criteria provided, single submitter. Criteria: Invitae Variant Classification Sherloc (09022015). Collection method: clinical testing. Allele origin: germline.
Comment: This sequence change replaces phenylalanine, which is neutral and non-polar, with serine, which is neutral and polar, at codon 1460 of the MYH11 protein (p.Phe1460Ser). This variant is present in population databases (rs151112745, gnomAD 0.003%). This variant has not been reported in the literature in individuals affected with MYH11-related conditions. ClinVar contains an entry for this variant (Variation ID: 857118). Advanced modeling of protein sequence and biophysical properties (such as structural, functional, and spatial information, amino acid conservation, physicochemical variation, residue mobility, and thermodynamic stability) performed at Invitae indicates that this missense variant is not expected to disrupt MYH11 protein function with a negative predictive value of 95%. In summary, the available evidence is currently insufficient to determine the role of this variant in disease. Therefore, it has been classified as a Variant of Uncertain Significance.

Fulgent Genetics
Classification: Uncertain significance for Aortic aneurysm, familial thoracic 4; Visceral myopathy 2; Megacystis-microcolon-intestinal hypoperistalsis syndrome 2. Last evaluated: 2021-10-06. Review status: criteria provided, single submitter. Criteria: ACMG Guidelines, 2015. Collection method: clinical testing. Allele origin: unknown.

NM_002474.3(MYH11):c.4358T>C (p.Phe1453Ser)

Genes: MYH11 (myosin heavy chain 11; minus strand), NDE1 (nudE neurodevelopment protein 1; plus strand). Cytogenetic location: 16p13.11.
Variant type: single nucleotide variant.
Coding change: c.4358T>C on transcript NM_002474.3 (MANE Select); coding-DNA position 4358, T replaced by C.
Protein change: p.Phe1453Ser; replaces phenylalanine 1453 with serine.
Molecular consequence: missense variant. On other transcripts: intron variant (2).
Genome position (GRCh38, 1-based): chr16:15,724,168, A>G on the plus strand (T>C on the coding strand, the complement: MYH11 is on the minus strand). VCF-style: chr16-15724168-A-G. GRCh37 (hg19) VCF-style: chr16-15818025-A-G.
Other names: c.4358T>C (NM_002474.2); c.4379T>C, p.Phe1460Ser (NM_001040113.2, NM_001040114.2); c.4358T>C, p.Phe1453Ser (NM_022844.3); c.948-23A>G (NM_001143979.2, NM_017668.3); short protein forms F1460S, F1453S.
Identifiers: ClinVar variation 857118 (VCV000857118.12), dbSNP rs151112745, ClinGen allele CA7921706.